The following is an entry in ClinVar:

NM_022051.3(EGLN1):c.25G>C (p.Gly9Arg)

Gene: EGLN1 (egl-9 family hypoxia inducible factor 1; minus strand). Cytogenetic location: 1q42.2.
Variant type: single nucleotide variant.
Coding change: c.25G>C on transcript NM_022051.3 (MANE Select); coding-DNA position 25, G replaced by C.
Protein change: p.Gly9Arg; replaces glycine 9 with arginine.
Molecular consequence: missense variant.
Genome position (GRCh38, 1-based): chr1:231,421,864, C>G on the plus strand (G>C on the coding strand, the complement: EGLN1 is on the minus strand). VCF-style: chr1-231421864-C-G. GRCh37 (hg19) VCF-style: chr1-231557610-C-G.
Other names: c.25G>C, p.Gly9Arg (NM_001377260.1, NM_001377261.1); short protein forms G9R.
Identifiers: ClinVar variation 1793655 (VCV001793655.3), dbSNP rs762808532, ClinGen allele CA1453216.

ClinVar aggregate classification (germline): Uncertain significance (1 of 4 stars; one submission).

Allele frequency attached by ClinVar (database versions not stated): ExAC 0.00004.
gnomAD v4.1: 4 of 1,486,360 alleles (0.00027%); highest among the groups gnomAD compares: South Asian, 0.005%; no homozygotes.

Submission:

Ambry Genetics
Classification: Uncertain significance. Last evaluated: 2025-01-17. Review status: criteria provided, single submitter. Criteria: Ambry Variant Classification Scheme 2023. Collection method: clinical testing. Allele origin: germline.
Comment: The p.G9R variant (also known as c.25G>C), located in coding exon 1 of the EGLN1 gene, results from a G to C substitution at nucleotide position 25. The glycine at codon 9 is replaced by arginine, an amino acid with dissimilar properties. This amino acid position is conserved. In addition, this alteration is predicted to be tolerated by in silico analysis. Since supporting evidence is limited at this time, the clinical significance of this alteration remains unclear.